The following is an entry in ClinVar:

NM_000937.5(POLR2A):c.4735A>G (p.Ser1579Gly)

Gene: POLR2A (RNA polymerase II subunit A; plus strand). Cytogenetic location: 17p13.1.
Variant type: single nucleotide variant.
Coding change: c.4735A>G on transcript NM_000937.5 (MANE Select); coding-DNA position 4735, A replaced by G.
Protein change: p.Ser1579Gly; replaces serine 1579 with glycine.
Molecular consequence: missense variant.
Genome position (GRCh38, 1-based): chr17:7,512,902, A>G. VCF-style: chr17-7512902-A-G. GRCh37 (hg19) VCF-style: chr17-7416221-A-G.
Other names: short protein forms S1579G.
Identifiers: ClinVar variation 4280926 (VCV004280926.7).

ClinVar aggregate classification (germline): Uncertain significance (1 of 4 stars; one submission).

Submission:

CeGaT Center for Human Genetics Tuebingen
Classification: Uncertain significance. Last evaluated: 2025-09-01. Review status: criteria provided, single submitter. Criteria: CeGaT Center For Human Genetics Tuebingen Variant Classification Criteria Version 2. Collection method: clinical testing. Allele origin: germline. Affected: yes. Observed: 1 variant allele.
Comment: POLR2A: PM2, PP2, BP5